The following is an entry in ClinVar:

ClinVar aggregate classification (germline): Uncertain significance. Review status: criteria provided, multiple submitters, no conflicts (2 of 4 stars). 2 submissions from 2 submitters: Uncertain significance (2). Last evaluated 2023-08-12.

Conditions:
Hereditary cancer-predisposing syndrome. Also called: Tumor predisposition; Hereditary Cancer Syndrome; Hereditary neoplastic syndrome; Neoplastic Syndromes, Hereditary. Identifiers: Orphanet 140162, MedGen C0027672, MeSH D009386, MONDO:0015356.
Familial adenomatous polyposis 2. Also called: COLORECTAL ADENOMATOUS POLYPOSIS, AUTOSOMAL RECESSIVE; MUTYH Polyposis; MUTYH-associated polyposis; MUTYH-related attenuated familial adenomatous polyposis; Adenomas, multiple colorectal; ADENOMAS, MULTIPLE COLORECTAL, AUTOSOMAL RECESSIVE. Identifiers: Orphanet 220460, Orphanet 247798, MedGen C3272841, MONDO:0012041, OMIM 608456.

gnomAD v4.1: 1 of 1,614,200 alleles (0.000062%); highest among the groups gnomAD compares: Non-Finnish European, 0.000085%; no homozygotes.

Submissions (2):

Ambry Genetics
Classification: Uncertain significance for Hereditary cancer-predisposing syndrome. Last evaluated: 2023-08-12. Review status: criteria provided, single submitter. Criteria: Ambry Variant Classification Scheme 2023. Collection method: clinical testing. Allele origin: germline.
Comment: The p.K192N variant (also known as c.576G>T), located in coding exon 7 of the MUTYH gene, results from a G to T substitution at nucleotide position 576. The amino acid change results in lysine to asparagine at codon 192, an amino acid with similar properties. However, this change occurs in the last base pair of coding exon 7, which makes it likely to have some effect on normal mRNA splicing. This nucleotide position is highly conserved in available vertebrate species. This amino acid position is highly conserved in available vertebrate species. In silico splice site analysis for this alteration is inconclusive; however, direct evidence is insufficient at this time (Ambry internal data). In addition, as a missense substitution this is predicted to be deleterious by in silico analysis. Since supporting evidence is limited at this time, the clinical significance of this alteration remains unclear.

Labcorp Genetics (formerly Invitae), Labcorp
Classification: Uncertain significance for Familial adenomatous polyposis 2. Last evaluated: 2016-11-08. Review status: criteria provided, single submitter. Criteria: Invitae Variant Classification Sherloc (09022015). Collection method: clinical testing. Allele origin: germline.
Comment: This variant is not present in population databases (ExAC no frequency) and has not been reported in the literature in individuals with a MUTYH-related disease. Nucleotide substitutions within the consensus splice site are relatively common causes of aberrant splicing (PMID: 17576681, 9536098). Algorithms developed to predict the effect of nucleotide changes on RNA splicing suggest that this variant may alter RNA splicing, but this prediction has not been confirmed by published transcriptional studies. In summary, this variant is a novel missense change with uncertain impact on protein function. It has been classified as a Variant of Uncertain Significance. This sequence change replaces lysine with asparagine at codon 192 of the MUTYH protein (p.Lys192Asn). The lysine residue is highly conserved and there is a moderate physicochemical difference between lysine and asparagine. It also falls at the last nucleotide of exon 7 of the MUTYH coding sequence.

Literature cited by the submitters: PubMed 17576681 (cited by Labcorp Genetics (formerly Invitae), Labcorp); PubMed 9536098 (cited by Labcorp Genetics (formerly Invitae), Labcorp).

NM_001048174.2(MUTYH):c.492G>T (p.Lys164Asn)

Gene: MUTYH (mutY DNA glycosylase; minus strand). Cytogenetic location: 1p34.1.
Variant type: single nucleotide variant.
Coding change: c.492G>T on transcript NM_001048174.2 (MANE Select); coding-DNA position 492, G replaced by T.
Protein change: p.Lys164Asn; replaces lysine 164 with asparagine.
Molecular consequence: missense variant. On other transcripts: non-coding transcript variant (2).
Genome position (GRCh38, 1-based): chr1:45,332,763, C>A on the plus strand (G>T on the coding strand, the complement: MUTYH is on the minus strand). VCF-style: chr1-45332763-C-A. GRCh37 (hg19) VCF-style: chr1-45798435-C-A.
Other names: c.492G>T, p.Lys164Asn (NM_001048171.2, NM_001048173.2, NM_001293195.2); c.495G>T, p.Lys165Asn (NM_001048172.2); c.576G>T, p.Lys192Asn (NM_001128425.2); c.537G>T, p.Lys179Asn (NM_001293190.2); c.525G>T, p.Lys175Asn (NM_001293191.2); c.216G>T, p.Lys72Asn (NM_001293192.2, NM_001293196.2); c.147G>T, p.Lys49Asn (NM_001350650.2, NM_001350651.2); c.567G>T, p.Lys189Asn (NM_012222.3); short protein forms K192N, K189N, K164N, K49N, K72N, K165N, K175N, K179N.
Identifiers: ClinVar variation 406821 (VCV000406821.10), dbSNP rs876660092, ClinGen allele CA16610120.
Genomic context (GRCh38, chr1:45,332,763, plus strand): 5'-GACTCAAGATTATAAGACACCCAAGACTCCTGGGTTCCTACCCTCCTGCCATCCCCTTAC[C>A]TTCCGAGCTCCCTCCTGCAGCCGCCGGCCACGAGAATAGTAGCCCAGGCCAGCCCAGAGT-3'
Protein context (NP_001041639.1, residues 154-174): RGRRLQEGAR[Lys164Asn]VVEELGGHMP